The following is an entry in ClinVar:

ClinVar aggregate classification (germline): Likely pathogenic (1 of 4 stars; one submission).

Allele frequency attached by ClinVar (database versions not stated): gnomAD exomes below 0.00001; gnomAD 0.00001; TOPMed 0.00001.

Submission:

GeneDx
Classification: Likely pathogenic. Last evaluated: 2017-04-19. Review status: criteria provided, single submitter. Criteria: GeneDx Variant Classification (06012015). Collection method: clinical testing. Allele origin: germline. Affected: yes.
Comment: The c.2539_2540dupCA variant in the COL6A2 gene has not been reported previously as a pathogenic variant nor as a benign variant, to our knowledge. The c.2539_2540dupCA variant causes a frameshift starting with codon Glutamine 847, changes this amino acid to a Histidine residue, and creates a premature Stop codon at position 18 of the new reading frame, denoted p.Gln847HisfsX18. This variant is predicted to cause loss of normal protein function through protein truncation. The c.2539_2540dupCA variant was not observed in approximately 6500 individuals of European and African American ancestry in the NHLBI Exome Sequencing Project, indicating it is not a common benign variant in these populations. The c.2539_2540dupCA variant is a strong candidate for a pathogenic variant, however the possibility it may be a rare benign variant cannot be excluded.

NM_001849.4(COL6A2):c.2539_2540dup (p.Gln847fs)

Gene: COL6A2 (collagen type VI alpha 2 chain; plus strand). Cytogenetic location: 21q22.3.
Variant type: Duplication.
Coding change: c.2539_2540dup on transcript NM_001849.4 (MANE Select); coding-DNA positions 2539 to 2540, 2 bases duplicated (CA; older notation c.2539_2540dupCA).
Protein change: p.Gln847fs; shifts the reading frame from glutamine 847.
Molecular consequence: frameshift variant.
Genome position (GRCh38, 1-based): chr21:46,132,031-46,132,032, CA duplicated. VCF-style (leftmost placement, unchanged base first): chr21-46132030-G-GCA. GRCh37 (hg19) VCF-style: chr21-47551944-G-GCA.
Other names: c.2539_2540dupCA (NM_001849.3); short protein forms Q847fs.
Identifiers: ClinVar variation 420936 (VCV000420936.1), dbSNP rs1413628703, ClinGen allele CA16621033.